The following is an entry in ClinVar:

ClinVar aggregate classification (germline): Benign. Review status: criteria provided, multiple submitters, no conflicts (2 of 4 stars). 5 submissions from 5 submitters: Benign (5). Last evaluated 2026-02-03.

Conditions:
Amelocerebrohypohidrotic syndrome (KTZS). Also called: EPILEPSY AND YELLOW TEETH; EPILEPSY, DEMENTIA, AND AMELOGENESIS IMPERFECTA; KOHLSCHUTTER SYNDROME; Kohlschutter's syndrome. Identifiers: Orphanet 1946, MedGen C0406740, MONDO:0009185, OMIM 226750.

Allele frequency attached by ClinVar (database versions not stated): gnomAD exomes 0.00464; ExAC 0.00607; 1000 Genomes Project 0.01757; gnomAD 0.01783 and 0.01923; 1000 Genomes Project 30x 0.01889; TOPMed 0.02053; ESP Exome Variant Server 0.02070.
gnomAD v4.1: 5,199 of 1,613,742 alleles (0.32%); highest among the groups gnomAD compares: African/African-American, 6.2%; 152 homozygotes.

Submissions (5):

Labcorp Genetics (formerly Invitae), Labcorp
Classification: Benign for Amelocerebrohypohidrotic syndrome. Last evaluated: 2026-02-03. Review status: criteria provided, single submitter. Criteria: Invitae Variant Classification Sherloc (09022015). Collection method: clinical testing. Allele origin: germline.

Athena Diagnostics
Classification: Benign. Last evaluated: 2024-12-31. Review status: criteria provided, single submitter. Criteria: Athena Diagnostics Criteria. Collection method: clinical testing. Allele origin: unknown.
Comment: The frequency of this variant in the general population is higher than would generally be expected for pathogenic variants in this gene.

Illumina Laboratory Services, Illumina
Classification: Benign for Kohlschutter syndrome. Last evaluated: 2018-01-12. Review status: criteria provided, single submitter. Criteria: ICSL Variant Classification Criteria 13 December 2019. Collection method: clinical testing. Allele origin: germline.
Comment: This variant was observed in the ICSL laboratory as part of a predisposition screen in an ostensibly healthy population. It had not been previously curated by ICSL or reported in the Human Gene Mutation Database (HGMD: prior to June 1st, 2018), and was therefore a candidate for classification through an automated scoring system. Utilizing variant allele frequency, disease prevalence and penetrance estimates, and inheritance mode, an automated score was calculated to assess if this variant is too frequent to cause the disease. Based on the score and internal cut-off values, a variant classified as benign is not then subjected to further curation. The score for this variant resulted in a classification of benign for this disease.

Breakthrough Genomics
Classification: Benign. Review status: criteria provided, single submitter. Criteria: ACMG Guidelines, 2015. Collection method: not provided. Allele origin: germline. Inheritance: Autosomal recessive inheritance. Affected: yes.

PreventionGenetics, part of Exact Sciences
Classification: Benign. Review status: criteria provided, single submitter. Criteria: ACMG Guidelines, 2015. Collection method: clinical testing. Allele origin: germline.

NM_024589.3(ROGDI):c.393C>G (p.Asp131Glu)

Gene: ROGDI (rogdi atypical leucine zipper; minus strand). Cytogenetic location: 16p13.3.
Variant type: single nucleotide variant.
Coding change: c.393C>G on transcript NM_024589.3 (MANE Select); coding-DNA position 393, C replaced by G.
Protein change: p.Asp131Glu; replaces aspartic acid 131 with glutamic acid.
Molecular consequence: missense variant. On other transcripts: non-coding transcript variant (1).
Genome position (GRCh38, 1-based): chr16:4,799,725, G>C on the plus strand (C>G on the coding strand, the complement: ROGDI is on the minus strand). VCF-style: chr16-4799725-G-C. GRCh37 (hg19) VCF-style: chr16-4849726-G-C.
Other names: short protein forms D131E.
Identifiers: ClinVar variation 261742 (VCV000261742.19), dbSNP rs143095485, ClinGen allele CA7882756.